The following is an entry in ClinVar:

ClinVar aggregate classification (germline): Conflicting classifications of pathogenicity. Review status: criteria provided, conflicting classifications (1 of 4 stars). 2 submissions from 2 submitters: Likely pathogenic (1); Uncertain significance (1). Last evaluated 2023-04-28.

Conditions:
Nephronophthisis. Also called: Juvenile Nephronophthisis. Identifiers: Orphanet 655, MedGen C0687120, MONDO:0019005, HP:0000090.
NPHP1-related disorder. Also called: NPHP1-related disorders; NPHP1-related condition.

Allele frequency attached by ClinVar (database versions not stated): gnomAD 0.00001; gnomAD exomes 0.00001; TOPMed 0.00001; ExAC 0.00002.
gnomAD v4.1: 8 of 1,613,428 alleles (0.0005%); highest among the groups gnomAD compares: Non-Finnish European, 0.00068%; no homozygotes.

Submissions (2):

Blueprint Genetics
Classification: Likely pathogenic for NPHP1-related disorders. Last evaluated: 2023-04-28. Review status: criteria provided, single submitter. Criteria: ACMG Guidelines, 2015. Collection method: clinical testing. Allele origin: germline. Affected: yes. Observed: 3 variant alleles.

Labcorp Genetics (formerly Invitae), Labcorp
Classification: Uncertain significance for Nephronophthisis. Last evaluated: 2021-07-13. Review status: criteria provided, single submitter. Criteria: Invitae Variant Classification Sherloc (09022015). Collection method: clinical testing. Allele origin: germline.
Comment: In summary, the available evidence is currently insufficient to determine the role of this variant in disease. Therefore, it has been classified as a Variant of Uncertain Significance. Algorithms developed to predict the effect of missense changes on protein structure and function do not agree on the potential impact of this missense change (SIFT: "Tolerated"; PolyPhen-2: "Probably Damaging"; Align-GVGD: "Class C0"). This variant has not been reported in the literature in individuals with NPHP1-related disease. This variant is present in population databases (rs776530596, ExAC 0.003%). This sequence change replaces leucine with isoleucine at codon 589 of the NPHP1 protein (p.Leu589Ile). The leucine residue is moderately conserved and there is a small physicochemical difference between leucine and isoleucine.

NM_001128178.3(NPHP1):c.1597C>A (p.Leu533Ile)

Gene: NPHP1 (nephrocystin 1; minus strand). Cytogenetic location: 2q13.
Variant type: single nucleotide variant.
Coding change: c.1597C>A on transcript NM_001128178.3 (MANE Select); coding-DNA position 1597, C replaced by A.
Protein change: p.Leu533Ile; replaces leucine 533 with isoleucine.
Molecular consequence: missense variant.
Genome position (GRCh38, 1-based): chr2:110,131,724, G>T on the plus strand (C>A on the coding strand, the complement: NPHP1 is on the minus strand). VCF-style: chr2-110131724-G-T. GRCh37 (hg19) VCF-style: chr2-110889301-G-T.
Other names: c.1765C>A, p.Leu589Ile (NM_000272.5); c.1408C>A, p.Leu470Ile (NM_001128179.3); c.1594C>A, p.Leu532Ile (NM_001374256.1); c.1597C>A, p.Leu533Ile (NM_001374257.1); c.1762C>A, p.Leu588Ile (NM_207181.4); short protein forms L589I, L588I, L470I, L533I, L532I.
Identifiers: ClinVar variation 531617 (VCV000531617.7), dbSNP rs776530596, ClinGen allele CA1826963.